The following is an entry in ClinVar:

NM_001376.5(DYNC1H1):c.4710-6T>A

Gene: DYNC1H1 (dynein cytoplasmic 1 heavy chain 1; plus strand). Cytogenetic location: 14q32.31.
Variant type: single nucleotide variant.
Coding change: c.4710-6T>A on transcript NM_001376.5 (MANE Select); 6 bases into the intron before coding-DNA position 4710, T replaced by A.
Molecular consequence: intron variant.
Genome position (GRCh38, 1-based): chr14:102,002,786, T>A. VCF-style: chr14-102002786-T-A. GRCh37 (hg19) VCF-style: chr14-102469123-T-A.
Identifiers: ClinVar variation 2808308 (VCV002808308.3), dbSNP rs2503734123, ClinGen allele CA2739278607.

ClinVar aggregate classification (germline): Uncertain significance (1 of 4 stars; one submission).

Conditions:
Charcot-Marie-Tooth disease axonal type 2O. Also called: CHARCOT-MARIE-TOOTH NEUROPATHY, AXONAL, TYPE 2O; CHARCOT-MARIE-TOOTH DISEASE, AXONAL, AUTOSOMAL DOMINANT, TYPE 2O; Charcot-Marie-Tooth Neuropathy Type 2O; Charcot-Marie-Tooth disease, axonal, type 20. Identifiers: Orphanet 284232, MedGen C3280220, MONDO:0013644, OMIM 614228.

Submission:

Labcorp Genetics (formerly Invitae), Labcorp
Classification: Uncertain significance for Charcot-Marie-Tooth disease axonal type 2O. Last evaluated: 2023-05-31. Review status: criteria provided, single submitter. Criteria: Invitae Variant Classification Sherloc (09022015). Collection method: clinical testing. Allele origin: germline.
Comment: In summary, the available evidence is currently insufficient to determine the role of this variant in disease. Therefore, it has been classified as a Variant of Uncertain Significance. Algorithms developed to predict the effect of sequence changes on RNA splicing suggest that this variant may create or strengthen a splice site. This variant has not been reported in the literature in individuals affected with DYNC1H1-related conditions. This variant is not present in population databases (gnomAD no frequency). This sequence change falls in intron 22 of the DYNC1H1 gene. It does not directly change the encoded amino acid sequence of the DYNC1H1 protein.